The following is an entry in ClinVar:

NM_002253.4(KDR):c.889G>A (p.Val297Ile)

Gene: KDR (kinase insert domain receptor; minus strand). Cytogenetic location: 4q12.
Variant type: single nucleotide variant.
Coding change: c.889G>A on transcript NM_002253.4 (MANE Select); coding-DNA position 889, G replaced by A.
Protein change: p.Val297Ile; replaces valine 297 with isoleucine.
Molecular consequence: missense variant.
Genome position (GRCh38, 1-based): chr4:55,113,391, C>T on the plus strand (G>A on the coding strand, the complement: KDR is on the minus strand). VCF-style: chr4-55113391-C-T. GRCh37 (hg19) VCF-style: chr4-55979558-C-T.
Other names: c.889G>A (NM_002253.2); short protein forms V297I.
Identifiers: ClinVar variation 134616 (VCV000134616.3), dbSNP rs2305948, ClinGen allele CA160337.
Genomic context (GRCh38, chr4:55,113,391, plus strand): 5'-TCTTGGTCATCAGCCCACTGGATGCTGCACAGGTGTACAATCCTTGGTCACTCCGGGTTA[C>T]ACCATCTATAGTTAAGGTGCTCAAAAATTTCTTCATCTCACTCCCAGACTGGGTTTTTAG-3'
Protein context (NP_002244.1, residues 287-307): KFLSTLTIDG[Val297Ile]TRSDQGLYTC

ClinVar aggregate classification (germline): Benign. Review status: no assertion criteria provided (0 of 4 stars). 2 submissions from 2 submitters: Benign (1). 1 of the submissions does not count toward it. Last evaluated 2019-08-02.

Conditions:
KDR-related disorder. Also called: KDR-related condition.

Allele frequency attached by ClinVar (database versions not stated): ExAC 0.10893; gnomAD 0.13824 and 0.14032; TOPMed 0.14124; ESP Exome Variant Server 0.14270; 1000 Genomes Project 0.15256; 1000 Genomes Project 30x 0.15678.
gnomAD v4.1: 169,367 of 1,613,886 alleles (10%); highest among the groups gnomAD compares: African/African-American, 24%; 9,959 homozygotes.

Submissions (2):

PreventionGenetics, part of Exact Sciences
Classification: Benign for KDR-related condition. Last evaluated: 2019-08-02. Review status: no assertion criteria provided. Collection method: clinical testing. Allele origin: germline.
Comment: This variant is classified as benign based on ACMG/AMP sequence variant interpretation guidelines (Richards et al. 2015 PMID: 25741868, with internal and published modifications).

ITMI
No classification provided. Condition: AllHighlyPenetrant. Last evaluated: 2013-09-19. Review status: no classification provided. Collection method: reference population. Allele origin: germline. Not counted in ClinVar's aggregate classification.
Comment: Please see associated publication for description of ethnicities

Literature cited by the submitters: PubMed 24728327 (cited by ITMI).